The following is an entry in ClinVar:

ClinVar aggregate classification (germline): Uncertain significance (1 of 4 stars; one submission).

Submission:

GeneDx
Classification: Uncertain significance. Last evaluated: 2024-11-01. Review status: criteria provided, single submitter. Criteria: GeneDx Variant Classification Process June 2021. Collection method: clinical testing. Allele origin: germline. Affected: yes.
Comment: Not observed at significant frequency in large population cohorts (gnomAD); In silico analysis supports that this missense variant does not alter protein structure/function; Has not been previously published as pathogenic or benign to our knowledge

NM_033343.4(LHX4):c.1119C>A (p.Asp373Glu)

Genes: ACBD6 (acyl-CoA binding domain containing 6; minus strand), LHX4 (LIM homeobox 4; plus strand), LHX4-AS1 (LHX4 antisense RNA 1; minus strand). Cytogenetic location: 1q25.2.
Variant type: single nucleotide variant.
Coding change: c.1119C>A on transcript NM_033343.4 (MANE Select); coding-DNA position 1119, C replaced by A.
Protein change: p.Asp373Glu; replaces aspartic acid 373 with glutamic acid.
Molecular consequence: missense variant.
Genome position (GRCh38, 1-based): chr1:180,274,525, C>A. VCF-style: chr1-180274525-C-A. GRCh37 (hg19) VCF-style: chr1-180243660-C-A.
Other names: short protein forms D373E.
Identifiers: ClinVar variation 3897208 (VCV003897208.1).